The following is an entry in ClinVar:

NM_001369.3(DNAH5):c.5816C>T (p.Ala1939Val)

Gene: DNAH5 (dynein axonemal heavy chain 5; minus strand). Cytogenetic location: 5p15.2.
Variant type: single nucleotide variant.
Coding change: c.5816C>T on transcript NM_001369.3 (MANE Select); coding-DNA position 5816, C replaced by T.
Protein change: p.Ala1939Val; replaces alanine 1939 with valine.
Molecular consequence: missense variant.
Genome position (GRCh38, 1-based): chr5:13,839,422, G>A on the plus strand (C>T on the coding strand, the complement: DNAH5 is on the minus strand). VCF-style: chr5-13839422-G-A. GRCh37 (hg19) VCF-style: chr5-13839531-G-A.
Other names: c.5816C>T (NM_001369.2); short protein forms A1939V.
Identifiers: ClinVar variation 2171216 (VCV002171216.1), dbSNP rs376871205, ClinGen allele CA3203569.

ClinVar aggregate classification (germline): Uncertain significance. Review status: criteria provided, multiple submitters, no conflicts (2 of 4 stars). 2 submissions from 2 submitters: Uncertain significance (2). Last evaluated 2025-11-20.

Conditions:
Primary ciliary dyskinesia. Also called: Ciliary dyskinesia. Identifiers: Orphanet 244, MedGen C0008780, MONDO:0016575, HP:0012265.

Allele frequency attached by ClinVar (database versions not stated): gnomAD exomes 0.00001; ExAC 0.00002; TOPMed 0.00003; gnomAD 0.00004; ESP Exome Variant Server 0.00008.
gnomAD v4.1: 20 of 1,613,260 alleles (0.0012%); highest among the groups gnomAD compares: Middle Eastern, 0.016%; no homozygotes.

Submissions (2):

Ambry Genetics
Classification: Uncertain significance for Primary ciliary dyskinesia. Last evaluated: 2025-11-20. Review status: criteria provided, single submitter. Criteria: Ambry Variant Classification Scheme 2023. Collection method: clinical testing. Allele origin: germline.

Labcorp Genetics (formerly Invitae), Labcorp
Classification: Uncertain significance for Primary ciliary dyskinesia. Last evaluated: 2022-06-14. Review status: criteria provided, single submitter. Criteria: Invitae Variant Classification Sherloc (09022015). Collection method: clinical testing. Allele origin: germline.
Comment: This sequence change replaces alanine, which is neutral and non-polar, with valine, which is neutral and non-polar, at codon 1939 of the DNAH5 protein (p.Ala1939Val). This variant is present in population databases (rs376871205, gnomAD 0.004%). This variant has not been reported in the literature in individuals affected with DNAH5-related conditions. Advanced modeling of protein sequence and biophysical properties (such as structural, functional, and spatial information, amino acid conservation, physicochemical variation, residue mobility, and thermodynamic stability) performed at Invitae indicates that this missense variant is not expected to disrupt DNAH5 protein function. In summary, the available evidence is currently insufficient to determine the role of this variant in disease. Therefore, it has been classified as a Variant of Uncertain Significance.